The following is an entry in ClinVar:

ClinVar aggregate classification (germline): Uncertain significance. Review status: criteria provided, multiple submitters, no conflicts (2 of 4 stars). 2 submissions from 2 submitters: Uncertain significance (2). Last evaluated 2026-05-11.

Conditions:
Hereditary cancer-predisposing syndrome. Also called: Tumor predisposition; Hereditary Cancer Syndrome; Neoplastic Syndromes, Hereditary; Hereditary neoplastic syndrome. Identifiers: Orphanet 140162, MedGen C0027672, MeSH D009386, MONDO:0015356.

Submissions (2):

Ambry Genetics
Classification: Uncertain significance for Hereditary cancer-predisposing syndrome. Last evaluated: 2026-05-11. Review status: criteria provided, single submitter. Criteria: Ambry Variant Classification Scheme 2023. Collection method: clinical testing. Allele origin: germline.
Comment: The p.V206L variant (also known as c.616G>T), located in coding exon 5 of the FH gene, results from a G to T substitution at nucleotide position 616. The valine at codon 206 is replaced by leucine, an amino acid with highly similar properties. This amino acid position is highly conserved in available vertebrate species. In addition, the in silico prediction for this alteration is inconclusive. Based on the available evidence, the clinical significance of this variant remains unclear.

Labcorp Genetics (formerly Invitae), Labcorp
Classification: Uncertain significance. Last evaluated: 2025-02-06. Review status: criteria provided, single submitter. Criteria: Invitae Variant Classification Sherloc (09022015). Collection method: clinical testing. Allele origin: germline.
Comment: This sequence change replaces valine, which is neutral and non-polar, with leucine, which is neutral and non-polar, at codon 206 of the FH protein (p.Val206Leu). This variant is not present in population databases (gnomAD no frequency). This variant has not been reported in the literature in individuals affected with FH-related conditions. ClinVar contains an entry for this variant (Variation ID: 648002). Invitae Evidence Modeling of protein sequence and biophysical properties (such as structural, functional, and spatial information, amino acid conservation, physicochemical variation, residue mobility, and thermodynamic stability) indicates that this missense variant is not expected to disrupt FH protein function with a negative predictive value of 95%. In summary, the available evidence is currently insufficient to determine the role of this variant in disease. Therefore, it has been classified as a Variant of Uncertain Significance.

NM_000143.4(FH):c.616G>T (p.Val206Leu)

Gene: FH (fumarate hydratase; minus strand). Cytogenetic location: 1q43.
Variant type: single nucleotide variant.
Coding change: c.616G>T on transcript NM_000143.4 (MANE Select); coding-DNA position 616, G replaced by T.
Protein change: p.Val206Leu; replaces valine 206 with leucine.
Molecular consequence: missense variant.
Genome position (GRCh38, 1-based): chr1:241,508,725, C>A on the plus strand (G>T on the coding strand, the complement: FH is on the minus strand). VCF-style: chr1-241508725-C-A. GRCh37 (hg19) VCF-style: chr1-241672025-C-A.
Other names: short protein forms V206L.
Identifiers: ClinVar variation 648002 (VCV000648002.12), dbSNP rs763183520, ClinGen allele CA345439385.